The following is an entry in ClinVar:

ClinVar aggregate classification (germline): Uncertain significance. Review status: criteria provided, multiple submitters, no conflicts (2 of 4 stars). 2 submissions from 2 submitters: Uncertain significance (2). Last evaluated 2024-07-31.

Conditions:
Neuropathy, hereditary sensory, type 2C. Also called: Hereditary sensory and autonomic neuropathy type IIC; KIF1A-Related HSAN2 (HSAN2C). Identifiers: Orphanet 970, MedGen C3280168, MONDO:0013634, OMIM 614213.
Intellectual disability, autosomal dominant 9 (NESCAVS). Also called: NESCAV SYNDROME; KIF1A-Related Neurodevelopmental Disorder. Identifiers: Orphanet 662367, MedGen C5393830, MONDO:0013656, OMIM 614255.
Hereditary spastic paraplegia 30. Identifiers: Orphanet 101010, MedGen C5235139, MONDO:0012476.

gnomAD v4.1: 3 of 1,580,794 alleles (0.00019%); highest among the groups gnomAD compares: African/African-American, 0.0013%; no homozygotes.

Submissions (2):

Labcorp Genetics (formerly Invitae), Labcorp
Classification: Uncertain significance for Hereditary spastic paraplegia 30; Neuropathy, hereditary sensory, type 2C; Intellectual disability, autosomal dominant 9. Last evaluated: 2024-07-31. Review status: criteria provided, single submitter. Criteria: Invitae Variant Classification Sherloc (09022015). Collection method: clinical testing. Allele origin: germline.
Comment: This sequence change replaces arginine, which is basic and polar, with cysteine, which is neutral and slightly polar, at codon 942 of the KIF1A protein (p.Arg942Cys). This variant is not present in population databases (gnomAD no frequency). This variant has not been reported in the literature in individuals affected with KIF1A-related conditions. Advanced modeling of protein sequence and biophysical properties (such as structural, functional, and spatial information, amino acid conservation, physicochemical variation, residue mobility, and thermodynamic stability) has been performed at Invitae for this missense variant, however the output from this modeling did not meet the statistical confidence thresholds required to predict the impact of this variant on KIF1A protein function. In summary, the available evidence is currently insufficient to determine the role of this variant in disease. Therefore, it has been classified as a Variant of Uncertain Significance.

GeneDx
Classification: Uncertain significance. Last evaluated: 2023-12-02. Review status: criteria provided, single submitter. Criteria: GeneDx Variant Classification Process June 2021. Collection method: clinical testing. Allele origin: germline. Affected: yes.
Comment: Not observed at significant frequency in large population cohorts (gnomAD); In silico analysis supports that this missense variant has a deleterious effect on protein structure/function; Has not been previously published as pathogenic or benign to our knowledge

NM_001244008.2(KIF1A):c.3127C>T (p.Arg1043Cys)

Gene: KIF1A (kinesin family member 1A; minus strand). Cytogenetic location: 2q37.3.
Variant type: single nucleotide variant.
Coding change: c.3127C>T on transcript NM_001244008.2 (MANE Select); coding-DNA position 3127, C replaced by T.
Protein change: p.Arg1043Cys; replaces arginine 1043 with cysteine.
Molecular consequence: missense variant.
Genome position (GRCh38, 1-based): chr2:240,746,114, G>A on the plus strand (C>T on the coding strand, the complement: KIF1A is on the minus strand). VCF-style: chr2-240746114-G-A. GRCh37 (hg19) VCF-style: chr2-241685531-G-A.
Other names: c.2851C>T, p.Arg951Cys (NM_001320705.2, NM_001330289.2, NM_001379638.1); c.2926C>T, p.Arg976Cys (NM_001330290.2, NM_001379634.1, NM_001379635.1 and 1 more transcripts); c.3202C>T, p.Arg1068Cys (NM_001379631.1); c.3076C>T, p.Arg1026Cys (NM_001379632.1); c.3100C>T, p.Arg1034Cys (NM_001379633.1, NM_001379642.1, NM_001379645.1); c.2824C>T, p.Arg942Cys (NM_001379636.1, NM_001379639.1, NM_001379640.1 and 6 more transcripts); c.2899C>T, p.Arg967Cys (NM_001379637.1, NM_001379648.1); short protein forms R1026C, R1034C, R1043C, R1068C, R942C, R951C, R967C, R976C.
Identifiers: ClinVar variation 3365072 (VCV003365072.3).